The following is an entry in ClinVar:

ClinVar aggregate classification (germline): Benign. Review status: criteria provided, single submitter (1 of 4 stars). 3 submissions from 1 submitter: Benign (3). Last evaluated 2018-01-13.

Conditions:
Rabson-Mendenhall syndrome. Also called: MENDENHALL SYNDROME; Pineal Hyperplasia, Insulin-Resistant Diabetes Mellitus, and Somatic Abnormalities; Pineal hyperplasia AND diabetes mellitus syndrome. Identifiers: Orphanet 769, MedGen C0271695, MONDO:0009874, OMIM 262190.
Leprechaunism syndrome. Also called: LEPRECHAUNISM; Donohue syndrome. Identifiers: Orphanet 508, MedGen C0265344, MONDO:0009517, OMIM 246200.
Insulin-resistant diabetes mellitus AND acanthosis nigricans. Also called: INSULIN RECEPTOR, DEFECT IN, WITH INSULIN-RESISTANT DIABETES MELLITUS AND ACANTHOSIS NIGRICANS; IRAN, TYPE A; Insulin-resistance syndrome type A; type A insulin resistance; DIABETES MELLITUS, INSULIN-RESISTANT, WITH ACANTHOSIS NIGRICANS, TYPE A. Identifiers: Orphanet 2297, MedGen C0342278, MONDO:0012520, OMIM 610549.

Allele frequency attached by ClinVar (database versions not stated): gnomAD 0.00596 and 0.00642; 1000 Genomes Project 0.00599; 1000 Genomes Project 30x 0.00609; TOPMed 0.00612.

Submissions (3):

Illumina Laboratory Services, Illumina
Classification: Benign for Leprechaunism syndrome. Last evaluated: 2018-01-13. Review status: criteria provided, single submitter. Criteria: ICSL Variant Classification Criteria 13 December 2019. Collection method: clinical testing. Allele origin: germline.
Comment: This variant was observed in the ICSL laboratory as part of a predisposition screen in an ostensibly healthy population. It had not been previously curated by ICSL or reported in the Human Gene Mutation Database (HGMD: prior to June 1st, 2018), and was therefore a candidate for classification through an automated scoring system. Utilizing variant allele frequency, disease prevalence and penetrance estimates, and inheritance mode, an automated score was calculated to assess if this variant is too frequent to cause the disease. Based on the score and internal cut-off values, a variant classified as benign is not then subjected to further curation. The score for this variant resulted in a classification of benign for this disease.

Illumina Laboratory Services, Illumina
Classification: Benign for Rabson-Mendenhall syndrome. Last evaluated: 2018-01-13. Review status: criteria provided, single submitter. Criteria: ICSL Variant Classification Criteria 13 December 2019. Collection method: clinical testing. Allele origin: germline.
Comment: the same text as in the submission from Illumina Laboratory Services, Illumina above.

Illumina Laboratory Services, Illumina
Classification: Benign for Insulin-resistant diabetes mellitus AND acanthosis nigricans. Last evaluated: 2018-01-13. Review status: criteria provided, single submitter. Criteria: ICSL Variant Classification Criteria 13 December 2019. Collection method: clinical testing. Allele origin: germline.
Comment: the same text as in the submission from Illumina Laboratory Services, Illumina above.

NM_000208.4(INSR):c.*3786G>C

Gene: INSR (insulin receptor; minus strand). Cytogenetic location: 19p13.2.
Variant type: single nucleotide variant.
Coding change: c.*3786G>C on transcript NM_000208.4 (MANE Select); 3786 bases downstream of the stop codon, G replaced by C.
Molecular consequence: 3 prime UTR variant.
Genome position (GRCh38, 1-based): chr19:7,113,270, C>G on the plus strand (G>C on the coding strand, the complement: INSR is on the minus strand). VCF-style: chr19-7113270-C-G. GRCh37 (hg19) VCF-style: chr19-7113281-C-G.
Other names: c.*3786G>C (NM_001079817.3).
Identifiers: ClinVar variation 894526 (VCV000894526.4), dbSNP rs115012090, ClinGen allele CA304864219.